The following is an entry in ClinVar:

NM_000258.3(MYL3):c.79C>T (p.Pro27Ser)

Gene: MYL3 (myosin light chain 3; minus strand). Cytogenetic location: 3p21.31.
Variant type: single nucleotide variant.
Coding change: c.79C>T on transcript NM_000258.3 (MANE Select); coding-DNA position 79, C replaced by T.
Protein change: p.Pro27Ser; replaces proline 27 with serine.
Molecular consequence: missense variant.
Genome position (GRCh38, 1-based): chr3:46,863,312, G>A on the plus strand (C>T on the coding strand, the complement: MYL3 is on the minus strand). VCF-style: chr3-46863312-G-A. GRCh37 (hg19) VCF-style: chr3-46904802-G-A.
Other names: c.79C>T (NM_000258.2); short protein forms P27S.
Identifiers: ClinVar variation 1505954 (VCV001505954.11), dbSNP rs1248338056, ClinGen allele CA352499653.
Genomic context (GRCh38, chr3:46,863,312, plus strand): 5'-CCATACCCACCTTGATCTTGGAAGCATCAAACTCGACCTCCTTAGGGCGCTCAGGCTCAG[G>A]GGGAGGTGCGGGAGCTGGAGCTGCCTTGGGGGCTGCCTTGGCATCATCCTTCTTGGGCTC-3'
Protein context (NP_000249.1, residues 17-37): PKAAPAPAPP[Pro27Ser]EPERPKEVEF

ClinVar aggregate classification (germline): Uncertain significance. Review status: criteria provided, multiple submitters, no conflicts (2 of 4 stars). 4 submissions from 4 submitters: Uncertain significance (4). Last evaluated 2026-08-24.

Conditions:
Cardiovascular phenotype. Identifiers: MedGen CN230736.
Hypertrophic cardiomyopathy. Also called: HYPERTROPHIC MYOCARDIOPATHY. Identifiers: Orphanet 217569, MedGen C0007194, MeSH D002312, MONDO:0005045, HP:0001639.

Allele frequency attached by ClinVar (database versions not stated): gnomAD 0.00001; TOPMed below 0.00001; gnomAD exomes below 0.00001.
gnomAD v4.1: 4 of 1,613,958 alleles (0.00025%); highest among the groups gnomAD compares: Admixed American, 0.005%; no homozygotes.

Submissions (4):

Ambry Genetics
Classification: Uncertain significance for Cardiovascular phenotype. Last evaluated: 2026-08-24. Review status: criteria provided, single submitter. Criteria: Ambry Variant Classification Scheme 2023. Collection method: clinical testing. Allele origin: germline.
Comment: The p.P27S variant (also known as c.79C>T), located in coding exon 1 of the MYL3 gene, results from a C to T substitution at nucleotide position 79. The proline at codon 27 is replaced by serine, an amino acid with similar properties. This amino acid position is conserved. In addition, this alteration is predicted to be tolerated by in silico analysis. Based on the available evidence, the clinical significance of this variant remains unclear.

GeneDx
Classification: Uncertain significance. Last evaluated: 2024-12-05. Review status: criteria provided, single submitter. Criteria: GeneDx Variant Classification Process June 2021. Collection method: clinical testing. Allele origin: germline. Affected: yes.
Comment: Not observed at significant frequency in large population cohorts (gnomAD); In silico analysis supports that this missense variant has a deleterious effect on protein structure/function; Has not been previously published as pathogenic or benign to our knowledge

Blueprint Genetics
Classification: Uncertain significance. Last evaluated: 2022-06-21. Review status: criteria provided, single submitter. Criteria: ACMG Guidelines, 2015. Collection method: clinical testing. Allele origin: germline.

Labcorp Genetics (formerly Invitae), Labcorp
Classification: Uncertain significance for Hypertrophic cardiomyopathy. Last evaluated: 2021-08-16. Review status: criteria provided, single submitter. Criteria: Invitae Variant Classification Sherloc (09022015). Collection method: clinical testing. Allele origin: germline.
Comment: This sequence change replaces proline with serine at codon 27 of the MYL3 protein (p.Pro27Ser). The proline residue is weakly conserved and there is a moderate physicochemical difference between proline and serine. This variant is not present in population databases (ExAC no frequency). This variant has not been reported in the literature in individuals with MYL3-related conditions. Algorithms developed to predict the effect of missense changes on protein structure and function are either unavailable or do not agree on the potential impact of this missense change (SIFT: "Tolerated"; PolyPhen-2: "Not Available"; Align-GVGD: "Class C0"). In summary, the available evidence is currently insufficient to determine the role of this variant in disease. Therefore, it has been classified as a Variant of Uncertain Significance.